The following is an entry in ClinVar:

NM_014874.4(MFN2):c.1300A>G (p.Met434Val)

Gene: MFN2 (mitofusin 2; plus strand). Cytogenetic location: 1p36.22.
Variant type: single nucleotide variant.
Coding change: c.1300A>G on transcript NM_014874.4 (MANE Select); coding-DNA position 1300, A replaced by G.
Protein change: p.Met434Val; replaces methionine 434 with valine.
Molecular consequence: missense variant.
Genome position (GRCh38, 1-based): chr1:12,004,521, A>G. VCF-style: chr1-12004521-A-G. GRCh37 (hg19) VCF-style: chr1-12064578-A-G.
Other names: c.1300A>G, p.Met434Val (NM_001127660.2); short protein forms M434V.
Identifiers: ClinVar variation 3382576 (VCV003382576.2).
Genomic context (GRCh38, chr1:12,004,521, plus strand): 5'-AACTTTGGTCTTCCTTGATACTTAACAGTGTGCTTCCTTTTGCTGTAGGTGTCGACTGCA[A>G]TGGCCGAGGAGATCAGGCGCCTCTCTGTACTGGTGGACGATTACCAGATGGACTTCCACC-3'
Protein context (NP_055689.1, residues 424-444): EEVERQVSTA[Met434Val]AEEIRRLSVL

ClinVar aggregate classification (germline): Uncertain significance (1 of 4 stars; one submission).

Conditions:
Charcot-Marie-Tooth disease, axonal, autosomal recessive, type 2a2b;. Also called: Charcot-Marie-Tooth disease, axonal, type 2A2B; Charcot-Marie-Tooth disease, axonal, autosomal recessive, type 2A2B. Identifiers: MedGen C4310725, MONDO:0014906, OMIM 617087.

gnomAD v4.1: 1 of 1,614,022 alleles (0.000062%); highest among the groups gnomAD compares: African/African-American, 0.0013%; no homozygotes.

Submission:

Juno Genomics, Hangzhou Juno Genomics, Inc
Classification: Uncertain significance for Charcot-Marie-Tooth disease, axonal, autosomal recessive, type 2a2b;. Review status: criteria provided, single submitter. Criteria: ACMG Guidelines, 2015. Collection method: clinical testing. Allele origin: germline. Affected: yes.
Comment: Absent from controls (or at extremely low frequency if recessive) in Genome Aggregation Database, Exome Sequencing Project, 1000 Genomes Project, or Exome Aggregation Consortium.;For recessive disorders, detected in trans with a pathogenic variant.;Co-segregation with disease in multiple affected family members in a gene definitively known to cause the disease.